The following is an entry in ClinVar:

ClinVar aggregate classification (germline): Uncertain significance (1 of 4 stars; one submission).

Conditions:
Ulnar-mammary syndrome (UMS). Also called: PALLISTER ULNAR-MAMMARY SYNDROME; Ulnar-mammary syndrome of Pallister; SCHINZEL SYNDROME. Identifiers: Orphanet 3138, MedGen C1866994, MONDO:0008411, OMIM 181450.

Submission:

Labcorp Genetics (formerly Invitae), Labcorp
Classification: Uncertain significance for Ulnar-mammary syndrome. Last evaluated: 2025-07-15. Review status: criteria provided, single submitter. Criteria: Invitae Variant Classification Sherloc (09022015). Collection method: clinical testing. Allele origin: germline.
Comment: This sequence change replaces glutamic acid, which is acidic and polar, with valine, which is neutral and non-polar, at codon 94 of the TBX3 protein (p.Glu94Val). This variant is not present in population databases (gnomAD no frequency). This variant has not been reported in the literature in individuals affected with TBX3-related conditions. An algorithm developed to predict the effect of missense changes on protein structure and function (PolyPhen-2) suggests that this variant is likely to be disruptive. In summary, the available evidence is currently insufficient to determine the role of this variant in disease. Therefore, it has been classified as a Variant of Uncertain Significance.

NM_005996.4(TBX3):c.281A>T (p.Glu94Val)

Genes: TBX3-AS1 (TBX3 antisense RNA 1; plus strand), TBX3 (T-box transcription factor 3; minus strand). Cytogenetic location: 12q24.21.
Variant type: single nucleotide variant.
Coding change: c.281A>T on transcript NM_005996.4 (MANE Select); coding-DNA position 281, A replaced by T.
Protein change: p.Glu94Val; replaces glutamic acid 94 with valine.
Molecular consequence: missense variant.
Genome position (GRCh38, 1-based): chr12:114,682,920, T>A on the plus strand (A>T on the coding strand, the complement: TBX3 is on the minus strand). VCF-style: chr12-114682920-T-A. GRCh37 (hg19) VCF-style: chr12-115120725-T-A.
Other names: c.281A>T, p.Glu94Val (NM_016569.4); short protein forms E94V.
Identifiers: ClinVar variation 4723000 (VCV004723000.1).